The following is an entry in ClinVar:

ClinVar aggregate classification (germline): Uncertain significance (1 of 4 stars; one submission).

Submission:

Ambry Genetics
Classification: Uncertain significance. Last evaluated: 2025-09-22. Review status: criteria provided, single submitter. Criteria: Ambry Variant Classification Scheme 2023. Collection method: clinical testing. Allele origin: germline.
Comment: The p.G420E variant (also known as c.1259G>A), located in coding exon 6 of the GFI1 gene, results from a G to A substitution at nucleotide position 1259. The glycine at codon 420 is replaced by glutamic acid, an amino acid with similar properties. This amino acid position is conserved. In addition, this alteration is predicted to be tolerated by in silico analysis. Based on the available evidence, the clinical significance of this variant remains unclear.

NM_005263.5(GFI1):c.1259G>A (p.Gly420Glu)

Gene: GFI1 (growth factor independent 1 transcriptional repressor; minus strand). Cytogenetic location: 1p22.1.
Variant type: single nucleotide variant.
Coding change: c.1259G>A on transcript NM_005263.5 (MANE Select); coding-DNA position 1259, G replaced by A.
Protein change: p.Gly420Glu; replaces glycine 420 with glutamic acid.
Molecular consequence: missense variant.
Genome position (GRCh38, 1-based): chr1:92,476,039, C>T on the plus strand (G>A on the coding strand, the complement: GFI1 is on the minus strand). VCF-style: chr1-92476039-C-T. GRCh37 (hg19) VCF-style: chr1-92941596-C-T.
Other names: c.1259G>A, p.Gly420Glu (NM_001127215.3, NM_001127216.3); short protein forms G420E.
Identifiers: ClinVar variation 4671558 (VCV004671558.1).
Genomic context (GRCh38, chr1:92,476,039, plus strand): 5'-GCTGCCCTCTGTAGTGTTGTGTAGCTGCTGCTTGCAGCCAGCCAGGGTGCTCATTTGAGC[C>T]CATGCTGCGTCTCCCGGTGCCTTCGGAGGTCCACCTTCCTCTGGAAACCCTTCCCACAGA-3'
Protein context (NP_005254.2, residues 410-422): DLRRHRETQH[Gly420Glu]LK